The following is an entry in ClinVar:

NM_000435.3(NOTCH3):c.4413C>T (p.Tyr1471=)

Gene: NOTCH3 (notch receptor 3; minus strand). Cytogenetic location: 19p13.12.
Variant type: single nucleotide variant.
Coding change: c.4413C>T on transcript NM_000435.3 (MANE Select); coding-DNA position 4413, C replaced by T.
Protein change: p.Tyr1471=; no amino-acid change (tyrosine 1471 retained).
Molecular consequence: synonymous variant.
Genome position (GRCh38, 1-based): chr19:15,174,391, G>A on the plus strand (C>T on the coding strand, the complement: NOTCH3 is on the minus strand). VCF-style: chr19-15174391-G-A. GRCh37 (hg19) VCF-style: chr19-15285202-G-A.
Identifiers: ClinVar variation 772226 (VCV000772226.37), dbSNP rs920286007, ClinGen allele CA305766109.

ClinVar aggregate classification (germline): Likely benign. Review status: criteria provided, multiple submitters, no conflicts (2 of 4 stars). 4 submissions from 4 submitters: Likely benign (4). Last evaluated 2022-03-01.

Conditions:
Cerebral arteriopathy, autosomal dominant, with subcortical infarcts and leukoencephalopathy, type 1 (CADASIL1). Also called: Cerebral arteriopathy with subcortical infarcts and leukoencephalopathy 1; CADASIL 1; CASIL; DEMENTIA, HEREDITARY MULTIINFARCT TYPE. Identifiers: Orphanet 136, MedGen C4551768, MONDO:0000914, OMIM 125310.
Lateral meningocele syndrome (LMNS). Also called: NOTCH3-Related Lateral Meningocele Syndrome. Identifiers: Orphanet 2789, MedGen C1851710, MONDO:0007537, OMIM 130720.
Myofibromatosis, infantile, 2. Identifiers: Orphanet 2591, MedGen C3809084, MONDO:0014122, OMIM 615293.

Allele frequency attached by ClinVar (database versions not stated): TOPMed 0.00003; gnomAD exomes 0.00004 and 0.00005; gnomAD 0.00005 and 0.00006.
gnomAD v4.1: 78 of 1,526,706 alleles (0.0051%); highest among the groups gnomAD compares: Non-Finnish European, 0.0066%; no homozygotes.

Submissions (4):

CeGaT Center for Human Genetics Tuebingen
Classification: Likely benign. Last evaluated: 2022-03-01. Review status: criteria provided, single submitter. Criteria: CeGaT Center For Human Genetics Tuebingen Variant Classification Criteria Version 2. Collection method: clinical testing. Allele origin: germline. Affected: yes. Observed: 1 variant allele.
Comment: NOTCH3: BP4, BP7

Fulgent Genetics
Classification: Likely benign for Cerebral arteriopathy, autosomal dominant, with subcortical infarcts and leukoencephalopathy, type 1; Lateral meningocele syndrome; Myofibromatosis, infantile, 2. Last evaluated: 2022-01-21. Review status: criteria provided, single submitter. Criteria: ACMG Guidelines, 2015. Collection method: clinical testing. Allele origin: unknown.

Blueprint Genetics
Classification: Likely benign. Last evaluated: 2021-11-04. Review status: criteria provided, single submitter. Criteria: ACMG Guidelines, 2015. Collection method: clinical testing. Allele origin: germline.

Labcorp Genetics (formerly Invitae), Labcorp
Classification: Likely benign. Last evaluated: 2018-06-21. Review status: criteria provided, single submitter. Criteria: Invitae Variant Classification Sherloc (09022015). Collection method: clinical testing. Allele origin: germline.